The following is an entry in ClinVar:

ClinVar aggregate classification (germline): Uncertain significance. Review status: criteria provided, multiple submitters, no conflicts (2 of 4 stars). 2 submissions from 2 submitters: Uncertain significance (2). Last evaluated 2024-12-15.

Conditions:
Inborn genetic diseases. Identifiers: MedGen C0950123, MeSH D030342.
Fanconi anemia (FA). Also called: Fanconi's anemia. Identifiers: Orphanet 84, MedGen C0015625, MeSH D005199, MONDO:0019391.

Allele frequency attached by ClinVar (database versions not stated): gnomAD exomes 0.00001.
gnomAD v4.1: 2 of 621,852 alleles (0.00032%); highest among the groups gnomAD compares: Non-Finnish European, 0.00058%; no homozygotes.

Submissions (2):

Ambry Genetics
Classification: Uncertain significance for Inborn genetic diseases. Last evaluated: 2024-12-15. Review status: criteria provided, single submitter. Criteria: Ambry Variant Classification Scheme 2023. Collection method: clinical testing. Allele origin: germline.
Comment: The p.P388A variant (also known as c.1162C>G), located in coding exon 10 of the FANCG gene, results from a C to G substitution at nucleotide position 1162. The proline at codon 388 is replaced by alanine, an amino acid with highly similar properties. This amino acid position is conserved. In addition, this alteration is predicted to be tolerated by in silico analysis. Based on the available evidence, the clinical significance of this variant remains unclear.

Labcorp Genetics (formerly Invitae), Labcorp
Classification: Uncertain significance for Fanconi anemia. Last evaluated: 2024-06-04. Review status: criteria provided, single submitter. Criteria: Invitae Variant Classification Sherloc (09022015). Collection method: clinical testing. Allele origin: germline.
Comment: This sequence change replaces proline, which is neutral and non-polar, with alanine, which is neutral and non-polar, at codon 388 of the FANCG protein (p.Pro388Ala). This variant is present in population databases (no rsID available, gnomAD 0.002%). This variant has not been reported in the literature in individuals affected with FANCG-related conditions. ClinVar contains an entry for this variant (Variation ID: 1519095). Advanced modeling of protein sequence and biophysical properties (such as structural, functional, and spatial information, amino acid conservation, physicochemical variation, residue mobility, and thermodynamic stability) performed at Invitae indicates that this missense variant is not expected to disrupt FANCG protein function with a negative predictive value of 80%. In summary, the available evidence is currently insufficient to determine the role of this variant in disease. Therefore, it has been classified as a Variant of Uncertain Significance.

NM_004629.2(FANCG):c.1162C>G (p.Pro388Ala)

Gene: FANCG (FA complementation group G; minus strand). Cytogenetic location: 9p13.3.
Variant type: single nucleotide variant.
Coding change: c.1162C>G on transcript NM_004629.2 (MANE Select); coding-DNA position 1162, C replaced by G.
Protein change: p.Pro388Ala; replaces proline 388 with alanine.
Molecular consequence: missense variant.
Genome position (GRCh38, 1-based): chr9:35,075,736, G>C on the plus strand (C>G on the coding strand, the complement: FANCG is on the minus strand). VCF-style: chr9-35075736-G-C. GRCh37 (hg19) VCF-style: chr9-35075733-G-C.
Other names: c.1162C>G (NM_004629.1); short protein forms P388A.
Identifiers: ClinVar variation 1519095 (VCV001519095.9), dbSNP rs1356114266, ClinGen allele CA373309548.
Genomic context (GRCh38, chr9:35,075,736, plus strand): 5'-CTGCCTGGATCAGTGCTACCGCTGCCTCCAAAAACACCTCAGGCATACAGGGCCCTGGAG[G>C]GGAGGGGGGTGGGGAGAACTGGAGTGGGAAGAAGAAGCAGTGTCTTGAAAGGCATGAGCC-3'
Protein context (NP_004620.1, residues 378-398): SEPRFSPPPS[Pro388Ala]PGPCMPEVFL